The following is an entry in ClinVar:

ClinVar aggregate classification (germline): Likely pathogenic (1 of 4 stars; one submission).

Conditions:
Autosomal dominant pseudohypoaldosteronism type 1. Also called: PHA I, AUTOSOMAL DOMINANT; Pseudohypoaldosteronism, Type I, Autosomal Dominant; Pseudohypoaldosteronism, Type I, Dominant. Identifiers: Orphanet 171871, Orphanet 756, MedGen C1449842, MONDO:0008329, OMIM 177735.

Submission:

Illumina Laboratory Services, Illumina
Classification: Likely pathogenic for Autosomal dominant pseudohypoaldosteronism type 1. Last evaluated: 2023-05-02. Review status: criteria provided, single submitter. Criteria: ICSLVariantClassificationCriteria RUGD 01 April 2020. Collection method: clinical testing. Allele origin: unknown.
Comment: The NR3C2 c.1350del (p.Pro451HisfsTer23) variant causes a shift in the protein reading frame that is predicted to result in premature termination of the protein. Loss of normal protein function through either protein truncation or nonsense-mediated mRNA decay is expected. To our knowledge, this variant has not been reported in the peer-reviewed literature. This variant is not observed in version 2.1.1 or version 3.1.2 of the Genome Aggregation Database. Based on the available evidence, the c.1350del (p.Pro451HisfsTer23) variant is classified as likely pathogenic for pseudohypoaldosteronism, type 1.

NM_000901.5(NR3C2):c.1350del (p.Pro451fs)

Gene: NR3C2 (nuclear receptor subfamily 3 group C member 2; minus strand). Cytogenetic location: 4q31.23.
Variant type: Deletion.
Coding change: c.1350del on transcript NM_000901.5 (MANE Select); coding-DNA position 1350, one base deleted (T; older notation c.1350delT).
Protein change: p.Pro451fs; shifts the reading frame from proline 451.
Molecular consequence: frameshift variant. On other transcripts: non-coding transcript variant (1).
Genome position (GRCh38, 1-based): chr4:148,435,511, A deleted on the plus strand (T on the coding strand, the reverse complement: NR3C2 is on the minus strand); the first of 3 consecutive A bases (chr4:148,435,511-148,435,513); deleting any one gives the same sequence. VCF-style (leftmost placement, unchanged base first): chr4-148435510-GA-G. GRCh37 (hg19) VCF-style: chr4-149356662-GA-G.
Other names: c.1350del, p.Pro451fs (NM_001354819.1, NM_001166104.2); short protein forms P451fs.
Identifiers: ClinVar variation 2573008 (VCV002573008.1), dbSNP rs2531826011, ClinGen allele CA2580616783.
Genomic context (GRCh38, chr4:148,435,510, plus strand): 5'-CTGATAGGGAATAATAGTCTTTATCATCCATAAAGGAAAAATACGAGCCATCCATAAATG[GA>G]AACGGGTTTACTGTTGGATTCCCTTTAAAAGAGGTGCCTGAACATGAATGCTTGGTTGAT-3'